The following is an entry in ClinVar:

NM_000465.4(BARD1):c.-30G>C

Genes: BARD1 (BRCA1 associated RING domain 1; minus strand), LOC129935544 (ATAC-STARR-seq lymphoblastoid silent region 12296; plus strand). Cytogenetic location: 2q35.
Variant type: single nucleotide variant.
Coding change: c.-30G>C on transcript NM_000465.4 (MANE Select); 30 bases upstream of the start codon, G replaced by C.
Molecular consequence: 5 prime UTR variant. On other transcripts: non-coding transcript variant (3).
Genome position (GRCh38, 1-based): chr2:214,809,599, C>G on the plus strand (G>C on the coding strand, the complement: BARD1 is on the minus strand). VCF-style: chr2-214809599-C-G. GRCh37 (hg19) VCF-style: chr2-215674323-C-G.
Other names: c.-30G>C (NM_001282543.2, NM_001282545.2, NM_001282548.2 and 1 more transcripts).
Identifiers: ClinVar variation 334199 (VCV000334199.12), dbSNP rs1129804, ClinGen allele CA2090542.
Genomic context (GRCh38, chr2:214,809,599, plus strand): 5'-GCCGGTTCCTCGGCTGCCGATTATCCGGCATCGTCCCGCCTTCGGATGAAAGGCTCCTCG[C>G]AGAGCGGGAAGCAAGGAAGCCTCGGGAAACCACAGGGAAGCTGCAGGCCAGCGACTCGAA-3'

ClinVar aggregate classification (germline): Benign. Review status: criteria provided, multiple submitters, no conflicts (2 of 4 stars). 5 submissions from 5 submitters: Benign (5). Last evaluated 2025-07-10.

Conditions:
Hereditary cancer-predisposing syndrome. Also called: Neoplastic Syndromes, Hereditary; Tumor predisposition; Hereditary neoplastic syndrome; Hereditary Cancer Syndrome. Identifiers: Orphanet 140162, MedGen C0027672, MeSH D009386, MONDO:0015356.
Hereditary breast ovarian cancer syndrome. Also called: Hereditary breast and ovarian cancer syndrome; Hereditary breast and ovarian cancer; Hereditary breast and ovarian cancer syndrome (HBOC); Breast and ovarian cancer; Hereditary breast and/or ovarian cancer syndrome; BRCA1- and BRCA2-Associated Hereditary Breast and Ovarian Cancer. Identifiers: Orphanet 145, MedGen C0677776, MeSH D061325, MONDO:0003582. Disease mechanism: loss of function.
Familial cancer of breast. Also called: BREAST CANCER, FAMILIAL; Hereditary breast cancer; hereditary breast carcinoma. Identifiers: Orphanet 227535, MedGen C0346153, MONDO:0016419, OMIM 114480. Disease mechanism: loss of function.

Allele frequency attached by ClinVar (database versions not stated): ExAC 0.70723; gnomAD exomes 0.71199 and 0.73386; gnomAD 0.73748 and 0.73899; 1000 Genomes Project 30x 0.74110; TOPMed 0.74118; 1000 Genomes Project 0.74461; ESP Exome Variant Server 0.77088.
gnomAD v4.1: 1,092,788 of 1,529,042 alleles (71%); highest among the groups gnomAD compares: Admixed American, 80%; 391,704 homozygotes.

Submissions (5):

GeneKor MSA
Classification: Benign for Hereditary cancer-predisposing syndrome. Last evaluated: 2025-07-10. Review status: criteria provided, single submitter. Criteria: ACMG Guidelines, 2015. Collection method: clinical testing. Allele origin: germline.

National Health Laboratory Service, Universitas Academic Hospital and University of the Free State
Classification: Benign for Hereditary breast ovarian cancer syndrome. Last evaluated: 2022-04-19. Review status: criteria provided, single submitter. Criteria: ACMG Guidelines, 2015. Collection method: clinical testing. Allele origin: germline. Affected: yes. Observed: 257 variant alleles.

Illumina Laboratory Services, Illumina
Classification: Benign for Familial cancer of breast. Last evaluated: 2018-01-13. Review status: criteria provided, single submitter. Criteria: ICSL Variant Classification Criteria 13 December 2019. Collection method: clinical testing. Allele origin: germline.
Comment: This variant was observed in the ICSL laboratory as part of a predisposition screen in an ostensibly healthy population. It had not been previously curated by ICSL or reported in the Human Gene Mutation Database (HGMD: prior to June 1st, 2018), and was therefore a candidate for classification through an automated scoring system. Utilizing variant allele frequency, disease prevalence and penetrance estimates, and inheritance mode, an automated score was calculated to assess if this variant is too frequent to cause the disease. Based on the score and internal cut-off values, a variant classified as benign is not then subjected to further curation. The score for this variant resulted in a classification of benign for this disease.

GeneDx
Classification: Benign. Last evaluated: 2015-03-03. Review status: criteria provided, single submitter. Criteria: GeneDx Variant Classification Process June 2021. Collection method: clinical testing. Allele origin: germline. Affected: yes.

Breakthrough Genomics
Classification: Benign. Review status: criteria provided, single submitter. Criteria: ACMG Guidelines, 2015. Collection method: not provided. Allele origin: germline. Inheritance: Autosomal dominant inheritance. Affected: yes.